The following is an entry in ClinVar:

ClinVar aggregate classification (germline): Uncertain significance. Review status: criteria provided, multiple submitters, no conflicts (2 of 4 stars). 3 submissions from 3 submitters: Uncertain significance (2). 1 of the submissions does not count toward it. Last evaluated 2025-11-12.

Conditions:
Usher syndrome type 1B (USH1B). Also called: Usher syndrome type IB. Identifiers: MedGen C1848638, MONDO:0700087.
Inborn genetic diseases. Identifiers: MedGen C0950123, MeSH D030342.

Allele frequency attached by ClinVar (database versions not stated): gnomAD 0.00001; gnomAD exomes 0.00001; TOPMed 0.00001; ExAC 0.00002; 1000 Genomes Project 30x 0.00031; 1000 Genomes Project 0.00040.

Submissions (3):

Labcorp Genetics (formerly Invitae), Labcorp
Classification: Uncertain significance. Last evaluated: 2025-11-12. Review status: criteria provided, single submitter. Criteria: Invitae Variant Classification Sherloc (09022015). Collection method: clinical testing. Allele origin: germline.
Comment: This sequence change replaces alanine, which is neutral and non-polar, with valine, which is neutral and non-polar, at codon 353 of the MYO7A protein (p.Ala353Val). This variant is present in population databases (rs557302067, gnomAD 0.02%). This variant has not been reported in the literature in individuals affected with MYO7A-related conditions. ClinVar contains an entry for this variant (Variation ID: 955733). Invitae Evidence Modeling of protein sequence and biophysical properties (such as structural, functional, and spatial information, amino acid conservation, physicochemical variation, residue mobility, and thermodynamic stability) indicates that this missense variant is not expected to disrupt MYO7A protein function with a negative predictive value of 95%. In summary, the available evidence is currently insufficient to determine the role of this variant in disease. Therefore, it has been classified as a Variant of Uncertain Significance.

Ambry Genetics
Classification: Uncertain significance for Inborn genetic diseases. Last evaluated: 2025-02-22. Review status: criteria provided, single submitter. Criteria: Ambry Variant Classification Scheme 2023. Collection method: clinical testing. Allele origin: germline.

Natera, Inc.
Classification: Uncertain significance for Usher syndrome type 1B. Last evaluated: 2021-01-26. Review status: no assertion criteria provided. Collection method: clinical testing. Allele origin: germline. Not counted in ClinVar's aggregate classification.

NM_000260.4(MYO7A):c.1058C>T (p.Ala353Val)

Gene: MYO7A (myosin VIIA; plus strand). Cytogenetic location: 11q13.5.
Variant type: single nucleotide variant.
Coding change: c.1058C>T on transcript NM_000260.4 (MANE Select); coding-DNA position 1058, C replaced by T.
Protein change: p.Ala353Val; replaces alanine 353 with valine.
Molecular consequence: missense variant.
Genome position (GRCh38, 1-based): chr11:77,159,501, C>T. VCF-style: chr11-77159501-C-T. GRCh37 (hg19) VCF-style: chr11-76870547-C-T.
Other names: c.1058C>T, p.Ala353Val (NM_001127180.2); c.1025C>T, p.Ala342Val (NM_001369365.1); short protein forms A342V, A353V.
Identifiers: ClinVar variation 955733 (VCV000955733.9), dbSNP rs557302067, ClinGen allele CA6197360.